The following is an entry in ClinVar:

NM_020207.7(ERCC6L2):c.1136A>C (p.Gln379Pro)

Gene: ERCC6L2 (ERCC excision repair 6 like 2; plus strand). Cytogenetic location: 9q22.32.
Variant type: single nucleotide variant.
Coding change: c.1136A>C on transcript NM_020207.7 (MANE Select); coding-DNA position 1136, A replaced by C.
Protein change: p.Gln379Pro; replaces glutamine 379 with proline.
Molecular consequence: missense variant. On other transcripts: non-coding transcript variant (1).
Genome position (GRCh38, 1-based): chr9:95,916,412, A>C. VCF-style: chr9-95916412-A-C. GRCh37 (hg19) VCF-style: chr9-98678694-A-C.
Other names: c.1136A>C, p.Gln379Pro (NM_001375293.1, NM_001375294.1, NM_001010895.4 and 2 more transcripts); short protein forms Q379P.
Identifiers: ClinVar variation 5036067 (VCV005036067.1).
Genomic context (GRCh38, chr9:95,916,412, plus strand): 5'-GACTTGCCAAAAAGATGTCTGGCTGGTTTCTCAGGCGCACCAAGACTCTTATCAAGGATC[A>C]GTTGCCTAAGAAGGAAGACCGGGTAAGAACCGCATTTGTATATATTATTAATTTGTGGTC-3'
Protein context (NP_064592.3, residues 369-389): LRRTKTLIKD[Gln379Pro]LPKKEDRMVY

ClinVar aggregate classification (germline): Uncertain significance (1 of 4 stars; one submission).

Conditions:
Inborn genetic diseases. Identifiers: MedGen C0950123, MeSH D030342.

gnomAD v4.1: 1 of 1,574,550 alleles (0.000064%); highest among the groups gnomAD compares: Non-Finnish European, 0.000086%; no homozygotes.

Submission:

Ambry Genetics
Classification: Uncertain significance for Inborn genetic diseases. Last evaluated: 2026-06-15. Review status: criteria provided, single submitter. Criteria: Ambry Variant Classification Scheme 2023. Collection method: clinical testing. Allele origin: germline.
Comment: The p.Q379P variant (also known as c.1136A>C), located in coding exon 6 of the ERCC6L2 gene, results from an A to C substitution at nucleotide position 1136. The glutamine at codon 379 is replaced by proline, an amino acid with similar properties. This amino acid position is conserved. In addition, the in silico prediction for this alteration is inconclusive. Based on the available evidence, the clinical significance of this variant remains unclear.